The following is an entry in ClinVar:

NM_001122764.3(PPOX):c.367T>A (p.Ser123Thr)

Gene: PPOX (protoporphyrinogen oxidase; plus strand). Cytogenetic location: 1q23.3.
Variant type: single nucleotide variant.
Coding change: c.367T>A on transcript NM_001122764.3 (MANE Select); coding-DNA position 367, T replaced by A.
Protein change: p.Ser123Thr; replaces serine 123 with threonine.
Molecular consequence: missense variant. On other transcripts: 5 prime UTR variant (4), intron variant (2).
Genome position (GRCh38, 1-based): chr1:161,168,023, T>A. VCF-style: chr1-161168023-T-A. GRCh37 (hg19) VCF-style: chr1-161137813-T-A.
Other names: c.367T>A, p.Ser123Thr (NM_000309.5, NM_001365398.1, NM_001365399.1); c.-61T>A (NM_001350129.2, NM_001365400.1); c.-120T>A (NM_001350130.2, NM_001365401.1); c.354-390T>A (NM_001350128.2); c.-34-390T>A (NM_001350131.2); short protein forms S123T.
Identifiers: ClinVar variation 424524 (VCV000424524.2), dbSNP rs1064797018, ClinGen allele CA16617013.

ClinVar aggregate classification (germline): Uncertain significance (1 of 4 stars; one submission).

Allele frequency attached by ClinVar (database versions not stated): gnomAD exomes below 0.00001.
gnomAD v4.1: 1 of 1,614,090 alleles (0.000062%); highest among the groups gnomAD compares: Non-Finnish European, 0.000085%; no homozygotes.

Submission:

GeneDx
Classification: Uncertain significance. Last evaluated: 2017-03-23. Review status: criteria provided, single submitter. Criteria: GeneDx Variant Classification (06012015). Collection method: clinical testing. Allele origin: germline. Affected: yes.
Comment: The S123T variant in the PPOX gene has not been reported previously as a pathogenic variant, nor as a benign variant, to our knowledge. The S123T variant is not observed in large population cohorts (Lek et al., 2016; 1000 Genomes Consortium et al., 2015; Exome Variant Server). The S123T variant is a conservative amino acid substitution, which is not likely to impact secondary protein structure as these residues share similar properties. This substitution occurs at a position where amino acids with similar properties to Serine are tolerated across species. In silico analysis is inconsistent in its predictions as to whether or not the variant is damaging to the protein structure/function. We interpret S123T as a variant of uncertain significance.